The following is an entry in ClinVar:

ClinVar aggregate classification (germline): Uncertain significance (1 of 4 stars; one submission).

Submission:

GeneDx
Classification: Uncertain significance. Last evaluated: 2022-04-05. Review status: criteria provided, single submitter. Criteria: GeneDx Variant Classification Process June 2021. Collection method: clinical testing. Allele origin: germline. Affected: yes.
Comment: Not observed at significant frequency in large population cohorts (gnomAD); In silico analysis supports a deleterious effect on protein structure/function; Has not been previously published as pathogenic or benign to our knowledge

NM_182641.4(BPTF):c.417_440del (p.Asp139_Glu146del)

Genes: BPTF (bromodomain PHD finger transcription factor; plus strand), LOC130061496 (ATAC-STARR-seq lymphoblastoid active region 12632; plus strand). Cytogenetic location: 17q24.2.
Variant type: Deletion.
Coding change: c.417_440del on transcript NM_182641.4 (MANE Select); coding-DNA positions 417 to 440, 24 bases deleted (CATGGTCTCCGAGGAGGAGGAGGA).
Protein change: p.Asp139_Glu146del.
Molecular consequence: inframe deletion.
Genome position (GRCh38, 1-based): chr17:67,826,141-67,826,164, CATGGTCTCCGAGGAGGAGGAGGA deleted; deleting any 24 consecutive bases within chr17:67,826,133-67,826,164 gives the same sequence; the c. name uses the placement nearest the transcript's 3' end. VCF-style (leftmost placement, unchanged base first): chr17-67826132-AGAGGAGGACATGGTCTCCGAGGAG-A. GRCh37 (hg19) VCF-style: chr17-65822248-AGAGGAGGACATGGTCTCCGAGGAG-A.
Other names: c.417_440del, p.Asp139_Glu146del (NM_004459.7).
Identifiers: ClinVar variation 1710657 (VCV001710657.2), dbSNP rs2509398704, ClinGen allele CA2580095001.